The following is an entry in ClinVar:

ClinVar aggregate classification (germline): Uncertain significance (1 of 4 stars; one submission).

Submission:

Women's Health and Genetics/Laboratory Corporation of America, LabCorp
Classification: Uncertain significance. Last evaluated: 2025-11-06. Review status: criteria provided, single submitter. Criteria: LabCorp Variant Classification Summary - May 2015. Collection method: clinical testing. Allele origin: germline.
Comment: Variant summary: SON c.5077G>A (p.Ala1693Thr) results in a non-conservative amino acid change in the encoded protein sequence. Algorithms developed to predict the effect of missense changes on protein structure and function are either unavailable or do not agree on the potential impact of this missense change. The variant was absent in 251168 control chromosomes. The available data on variant occurrences in the general population are insufficient to allow any conclusion about variant significance. To our knowledge, no occurrence of c.5077G>A in individuals affected with SON-related conditions and no experimental evidence demonstrating its impact on protein function have been reported. No submitters have cited clinical-significance assessments for this variant to ClinVar. Based on the evidence outlined above, the variant was classified as uncertain significance.

NM_138927.4(SON):c.5077G>A (p.Ala1693Thr)

Gene: SON (SON DNA and RNA binding protein; plus strand). Cytogenetic location: 21q22.11.
Variant type: single nucleotide variant.
Coding change: c.5077G>A on transcript NM_138927.4 (MANE Select); coding-DNA position 5077, G replaced by A.
Protein change: p.Ala1693Thr; replaces alanine 1693 with threonine.
Molecular consequence: missense variant. On other transcripts: non-coding transcript variant (1), intron variant (1).
Genome position (GRCh38, 1-based): chr21:33,554,308, G>A. VCF-style: chr21-33554308-G-A. GRCh37 (hg19) VCF-style: chr21-34926614-G-A.
Other names: c.5077G>A, p.Ala1693Thr (NM_001291411.2, NM_032195.3); c.245-2848G>A (NM_001291412.3); short protein forms A1693T.
Identifiers: ClinVar variation 4537014 (VCV004537014.1).